The following is an entry in ClinVar:

ClinVar aggregate classification (germline): Conflicting classifications of pathogenicity. Review status: criteria provided, conflicting classifications (1 of 4 stars). 3 submissions from 3 submitters: Pathogenic (1); Uncertain significance (2). Last evaluated 2025-12-22.

Allele frequency attached by ClinVar (database versions not stated): gnomAD exomes below 0.00001; gnomAD 0.00001; ExAC 0.00002; 1000 Genomes Project 30x 0.00016; 1000 Genomes Project 0.00020.
gnomAD v4.1: 3 of 1,613,948 alleles (0.00019%); highest among the groups gnomAD compares: South Asian, 0.0011%; no homozygotes.

Submissions (3):

Labcorp Genetics (formerly Invitae), Labcorp
Classification: Pathogenic. Last evaluated: 2025-12-22. Review status: criteria provided, single submitter. Criteria: Invitae Variant Classification Sherloc (09022015). Collection method: clinical testing. Allele origin: germline.
Comment: This sequence change creates a premature translational stop signal (p.Gln642*) in the TET2 gene. It is expected to result in an absent or disrupted protein product. Loss-of-function variants in TET2 are known to be pathogenic (PMID: 36066697). This variant is present in population databases (rs147591998, gnomAD 0.003%). This variant has not been reported in the literature in individuals affected with TET2-related conditions. ClinVar contains an entry for this variant (Variation ID: 1318623). For these reasons, this variant has been classified as Pathogenic.

GeneDx
Classification: Uncertain significance. Last evaluated: 2020-01-06. Review status: criteria provided, single submitter. Criteria: GeneDx Variant Classification Process June 2021. Collection method: clinical testing. Allele origin: germline. Affected: yes.
Comment: Has not been previously published as pathogenic or benign to our knowledge; Nonsense variant predicted to result in protein truncation or nonsense mediated decay in a gene for which loss-of-function is not a known mechanism of disease; Not observed at a significant frequency in large population cohorts (Lek et al., 2016)

Breakthrough Genomics
Classification: Uncertain significance. Review status: criteria provided, single submitter. Criteria: ACMG Guidelines, 2015. Collection method: not provided. Allele origin: germline. Inheritance: Autosomal recessive inheritance. Affected: yes.

Literature cited by the submitters: PubMed 36066697 (cited by Labcorp Genetics (formerly Invitae), Labcorp).

NM_001127208.3(TET2):c.1924C>T (p.Gln642Ter)

Genes: TET2-AS1 (TET2 antisense RNA 1; minus strand), TET2 (tet methylcytosine dioxygenase 2; plus strand). Cytogenetic location: 4q24.
Variant type: single nucleotide variant.
Coding change: c.1924C>T on transcript NM_001127208.3 (MANE Select); coding-DNA position 1924, C replaced by T.
Protein change: p.Gln642Ter; replaces glutamine 642 with a stop codon.
Molecular consequence: nonsense.
Genome position (GRCh38, 1-based): chr4:105,235,866, C>T. VCF-style: chr4-105235866-C-T. GRCh37 (hg19) VCF-style: chr4-106157023-C-T.
Other names: c.1924C>T, p.Gln642Ter (NM_017628.4); short protein forms Q642*.
Identifiers: ClinVar variation 1318623 (VCV001318623.4), dbSNP rs147591998, ClinGen allele CA3031782.